The following is an entry in ClinVar:

ClinVar aggregate classification (germline): Uncertain significance (1 of 4 stars; one submission).

Allele frequency attached by ClinVar (database versions not stated): ExAC 0.00001.
gnomAD v4.1: 9 of 1,614,172 alleles (0.00056%); highest among the groups gnomAD compares: Non-Finnish European, 0.00076%; no homozygotes.

Submission:

ARUP Laboratories, Molecular Genetics and Genomics, ARUP Laboratories
Classification: Uncertain significance. Last evaluated: 2023-04-04. Review status: criteria provided, single submitter. Criteria: ARUP Molecular Germline Variant Investigation Process 2024. Collection method: clinical testing. Allele origin: germline.
Comment: The MYLK c.124C>T; p.Leu42Phe variant (rs756715403), to our knowledge, is not reported in the medical literature or gene specific databases. This variant is found in the general population with an overall allele frequency of 0.0016% (4/251,358 alleles) in the Genome Aggregation Database. Computational analyses are uncertain whether this variant is neutral or deleterious (REVEL: 0.292). Due to limited information, the clinical significance of this variant is uncertain at this time.

NM_053025.4(MYLK):c.124C>T (p.Leu42Phe)

Gene: MYLK (myosin light chain kinase; minus strand). Cytogenetic location: 3q21.1.
Variant type: single nucleotide variant.
Coding change: c.124C>T on transcript NM_053025.4 (MANE Select); coding-DNA position 124, C replaced by T.
Protein change: p.Leu42Phe; replaces leucine 42 with phenylalanine.
Molecular consequence: missense variant. On other transcripts: 5 prime UTR variant (1).
Genome position (GRCh38, 1-based): chr3:123,793,718, G>A on the plus strand (C>T on the coding strand, the complement: MYLK is on the minus strand). VCF-style: chr3-123793718-G-A. GRCh37 (hg19) VCF-style: chr3-123512565-G-A.
Other names: c.-197C>T (NM_001321309.2); c.124C>T, p.Leu42Phe (NM_053026.4, NM_053027.4, NM_053028.4); short protein forms L42F.
Identifiers: ClinVar variation 2920987 (VCV002920987.1), dbSNP rs756715403, ClinGen allele CA066851.
Genomic context (GRCh38, chr3:123,793,718, plus strand): 5'-ATCCAGCCACACTTCTTACCCGCCCTTCGAACTTGGCGGTGGCTCCTTCTTTGATGCAGA[G>A]GTTCCGAGGGGGCAAAATGAAAGCAGGGGCCTCTGTCAGGGGCATGGAGTCAACTCTTGA-3'
Protein context (NP_444253.3, residues 32-52): APAFILPPRN[Leu42Phe]CIKEGATAKF